The following is an entry in ClinVar:

ClinVar aggregate classification (germline): Likely pathogenic (1 of 4 stars; one submission).

Conditions:
GLI3-related disorder. Also called: GLI3-related condition; GLI3-related disorders. Identifiers: MedGen CN239292.

Submission:

PreventionGenetics, part of Exact Sciences
Classification: Likely pathogenic for GLI3-related condition. Last evaluated: 2022-10-28. Review status: criteria provided, single submitter. Criteria: ACMG Guidelines, 2015. Collection method: clinical testing. Allele origin: germline.
Comment: The GLI3 c.3523delT variant is predicted to result in a frameshift and premature protein termination (p.Ser1175Profs*31). To our knowledge, this variant has not been reported in the literature or in a large population database, indicating this variant is rare. Frameshift variants in GLI3 are expected to be pathogenic. This variant is interpreted as likely pathogenic.

NM_000168.6(GLI3):c.3523del (p.Ser1175fs)

Gene: GLI3 (GLI family zinc finger 3; minus strand). Cytogenetic location: 7p14.1.
Variant type: Deletion.
Coding change: c.3523del on transcript NM_000168.6 (MANE Select); coding-DNA position 3523, one base deleted (T; older notation c.3523delT).
Protein change: p.Ser1175fs; shifts the reading frame from serine 1175.
Molecular consequence: frameshift variant.
Genome position (GRCh38, 1-based): chr7:41,965,550, A deleted on the plus strand (T on the coding strand, the reverse complement: GLI3 is on the minus strand). VCF-style (leftmost placement, unchanged base first): chr7-41965549-GA-G. GRCh37 (hg19) VCF-style: chr7-42005147-GA-G.
Other names: short protein forms S1175fs.
Identifiers: ClinVar variation 2637291 (VCV002637291.1), dbSNP rs2484371899, ClinGen allele CA2695198480.
Genomic context (GRCh38, chr7:41,965,549, plus strand): 5'-TTGCAGAACCCAAAGGCGCGAGTCTGCGGCACAGCGGGCCGCGGCCCACACTTGAGCTTG[GA>G]GGAGGACAGGTCGGCGCTTCCGGAGCTGACTTCGTTCCACTGAATGGGCAGGTCGGTTTT-3'